The following is an entry in ClinVar:

ClinVar aggregate classification (germline): Uncertain significance (1 of 4 stars; one submission).

Submission:

Labcorp Genetics (formerly Invitae), Labcorp
Classification: Uncertain significance. Last evaluated: 2021-10-20. Review status: criteria provided, single submitter. Criteria: Invitae Variant Classification Sherloc (09022015). Collection method: clinical testing. Allele origin: germline.
Comment: Algorithms developed to predict the effect of missense changes on protein structure and function (SIFT, PolyPhen-2, Align-GVGD) all suggest that this variant is likely to be tolerated. This variant has not been reported in the literature in individuals affected with TRPM6-related conditions. This variant is not present in population databases (ExAC no frequency). This sequence change replaces alanine with threonine at codon 1420 of the TRPM6 protein (p.Ala1420Thr). The alanine residue is weakly conserved and there is a small physicochemical difference between alanine and threonine. In summary, the available evidence is currently insufficient to determine the role of this variant in disease. Therefore, it has been classified as a Variant of Uncertain Significance.

NM_017662.5(TRPM6):c.4258G>A (p.Ala1420Thr)

Gene: TRPM6 (transient receptor potential cation channel subfamily M member 6; minus strand). Cytogenetic location: 9q21.13.
Variant type: single nucleotide variant.
Coding change: c.4258G>A on transcript NM_017662.5 (MANE Select); coding-DNA position 4258, G replaced by A.
Protein change: p.Ala1420Thr; replaces alanine 1420 with threonine.
Molecular consequence: missense variant.
Genome position (GRCh38, 1-based): chr9:74,762,413, C>T on the plus strand (G>A on the coding strand, the complement: TRPM6 is on the minus strand). VCF-style: chr9-74762413-C-T. GRCh37 (hg19) VCF-style: chr9-77377329-C-T.
Other names: c.4243G>A, p.Ala1415Thr (NM_001177310.2, NM_001177311.2); short protein forms A1415T, A1420T.
Identifiers: ClinVar variation 1469542 (VCV001469542.6), dbSNP rs1587479620, ClinGen allele CA373685137.
Genomic context (GRCh38, chr9:74,762,413, plus strand): 5'-GAGGGGAGCTCATTGTCATGGGTTCAGGTGTGCAACTCAAAGTGGGTAGCACTTGCTCTG[C>T]CTTGTCTTGTCCATCCAGTAAGTGAGCAATAGGCTCGTGCTTTTCCTTGGGTTCATCCAC-3'
Protein context (NP_060132.3, residues 1410-1430): IAHLLDGQDK[Ala1420Thr]EQVLPTLSCT